The following is an entry in ClinVar:

ClinVar aggregate classification (germline): Uncertain significance (1 of 4 stars; one submission).

Conditions:
Renal cell carcinoma. Identifiers: Orphanet 217071, MedGen C0007134, MeSH D002292, MONDO:0005086, HP:0005584.

Allele frequency attached by ClinVar (database versions not stated): gnomAD exomes below 0.00001; TOPMed below 0.00001.
gnomAD v4.1: 1 of 1,614,124 alleles (0.000062%); highest among the groups gnomAD compares: Non-Finnish European, 0.000085%; no homozygotes.

Submission:

Labcorp Genetics (formerly Invitae), Labcorp
Classification: Uncertain significance for Renal cell carcinoma. Last evaluated: 2021-08-28. Review status: criteria provided, single submitter. Criteria: Invitae Variant Classification Sherloc (09022015). Collection method: clinical testing. Allele origin: germline.
Comment: This sequence change replaces phenylalanine with valine at codon 445 of the MET protein (p.Phe445Val). The phenylalanine residue is moderately conserved and there is a small physicochemical difference between phenylalanine and valine. This variant is not present in population databases (ExAC no frequency). This variant has not been reported in the literature in individuals affected with MET-related conditions. Algorithms developed to predict the effect of missense changes on protein structure and function are either unavailable or do not agree on the potential impact of this missense change (SIFT: "Tolerated"; PolyPhen-2: "Probably Damaging"; Align-GVGD: "Class C0"). In summary, the available evidence is currently insufficient to determine the role of this variant in disease. Therefore, it has been classified as a Variant of Uncertain Significance.

NM_000245.4(MET):c.1333T>G (p.Phe445Val)

Gene: MET (MET proto-oncogene, receptor tyrosine kinase; plus strand). Cytogenetic location: 7q31.2.
Variant type: single nucleotide variant.
Coding change: c.1333T>G on transcript NM_000245.4 (MANE Select); coding-DNA position 1333, T replaced by G.
Protein change: p.Phe445Val; replaces phenylalanine 445 with valine.
Molecular consequence: missense variant.
Genome position (GRCh38, 1-based): chr7:116,731,800, T>G. VCF-style: chr7-116731800-T-G. GRCh37 (hg19) VCF-style: chr7-116371854-T-G.
Other names: c.1333T>G, p.Phe445Val (NM_001127500.3, NM_001324401.3); c.43T>G, p.Phe15Val (NM_001324402.2); short protein forms F445V, F15V.
Identifiers: ClinVar variation 855581 (VCV000855581.7), dbSNP rs1793017605, ClinGen allele CA368972949.